The following is an entry in ClinVar:

NM_021620.4(PRDM13):c.1589C>A (p.Ser530Tyr)

Gene: PRDM13 (PR/SET domain 13; plus strand). Cytogenetic location: 6q16.2.
Variant type: single nucleotide variant.
Coding change: c.1589C>A on transcript NM_021620.4 (MANE Select); coding-DNA position 1589, C replaced by A.
Protein change: p.Ser530Tyr; replaces serine 530 with tyrosine.
Molecular consequence: missense variant.
Genome position (GRCh38, 1-based): chr6:99,614,224, C>A. VCF-style: chr6-99614224-C-A. GRCh37 (hg19) VCF-style: chr6-100062100-C-A.
Other names: short protein forms S530Y.
Identifiers: ClinVar variation 1969359 (VCV001969359.5), dbSNP rs1472922917, ClinGen allele CA365120168.

ClinVar aggregate classification (germline): Uncertain significance (1 of 4 stars; one submission).

Allele frequency attached by ClinVar (database versions not stated): gnomAD exomes below 0.00001; gnomAD 0.00001; TOPMed 0.00003.
gnomAD v4.1: 6 of 1,608,950 alleles (0.00037%); highest among the groups gnomAD compares: African/African-American, 0.008%; no homozygotes.

Submission:

Labcorp Genetics (formerly Invitae), Labcorp
Classification: Uncertain significance. Last evaluated: 2022-03-20. Review status: criteria provided, single submitter. Criteria: Invitae Variant Classification Sherloc (09022015). Collection method: clinical testing. Allele origin: germline.
Comment: This sequence change replaces serine, which is neutral and polar, with tyrosine, which is neutral and polar, at codon 530 of the PRDM13 protein (p.Ser530Tyr). This variant is not present in population databases (gnomAD no frequency). This variant has not been reported in the literature in individuals affected with PRDM13-related conditions. Algorithms developed to predict the effect of missense changes on protein structure and function (SIFT, PolyPhen-2, Align-GVGD) all suggest that this variant is likely to be disruptive. In summary, the available evidence is currently insufficient to determine the role of this variant in disease. Therefore, it has been classified as a Variant of Uncertain Significance.